The following is an entry in ClinVar:

ClinVar aggregate classification (germline): Benign. Review status: criteria provided, multiple submitters, no conflicts (2 of 4 stars). 3 submissions from 3 submitters: Benign (2). 1 of the submissions does not count toward it. Last evaluated 2020-01-21.

Conditions:
BICRA-related disorder. Also called: BICRA-related condition.

Allele frequency attached by ClinVar (database versions not stated): ESP Exome Variant Server 0.23097; TOPMed 0.32459; ExAC 0.32644; 1000 Genomes Project 30x 0.34588; 1000 Genomes Project 0.34625; gnomAD 0.31657 and 0.31730; gnomAD exomes 0.27463 and 0.29100.

Submissions (3):

GeneDx
Classification: Benign. Last evaluated: 2020-01-21. Review status: criteria provided, single submitter. Criteria: GeneDx Variant Classification Process June 2021. Collection method: clinical testing. Allele origin: germline. Affected: yes.

Breakthrough Genomics
Classification: Benign. Review status: criteria provided, single submitter. Criteria: ACMG Guidelines, 2015. Collection method: not provided. Allele origin: germline. Inheritance: Autosomal dominant inheritance. Affected: yes.

PreventionGenetics, part of Exact Sciences
Classification: Benign for BICRA-related condition. Last evaluated: 2022-03-07. Review status: no assertion criteria provided. Collection method: clinical testing. Allele origin: germline. Not counted in ClinVar's aggregate classification.
Comment: This variant is classified as benign based on ACMG/AMP sequence variant interpretation guidelines (Richards et al. 2015 PMID: 25741868, with internal and published modifications).

NM_001394372.1(BICRA):c.2047C>T (p.Pro683Ser)

Gene: BICRA (BRD4 interacting chromatin remodeling complex associated protein; plus strand). Cytogenetic location: 19q13.33.
Variant type: single nucleotide variant.
Coding change: c.2047C>T on transcript NM_001394372.1 (MANE Select); coding-DNA position 2047, C replaced by T.
Protein change: p.Pro683Ser; replaces proline 683 with serine.
Molecular consequence: missense variant.
Genome position (GRCh38, 1-based): chr19:47,681,217, C>T. VCF-style: chr19-47681217-C-T. GRCh37 (hg19) VCF-style: chr19-48184474-C-T.
Other names: c.2047C>T, p.Pro683Ser (NM_015711.3); short protein forms P683S.
Identifiers: ClinVar variation 1257456 (VCV001257456.5), dbSNP rs3745762, ClinGen allele CA9541816.